The following is an entry in ClinVar:

ClinVar aggregate classification (germline): Likely benign (0 of 4 stars; one submission).

Conditions:
DMD-related disorder. Also called: DMD-related condition.

Submission:

PreventionGenetics, part of Exact Sciences
Classification: Likely benign for DMD-related condition. Last evaluated: 2020-03-03. Review status: no assertion criteria provided. Collection method: clinical testing. Allele origin: germline.
Comment: This variant is classified as likely benign based on ACMG/AMP sequence variant interpretation guidelines (Richards et al. 2015 PMID: 25741868, with internal and published modifications).

NM_004006.3(DMD):c.8217+18042T>C

Gene: DMD (dystrophin; minus strand). Cytogenetic location: Xp21.1.
Variant type: single nucleotide variant.
Coding change: c.8217+18042T>C on transcript NM_004006.3 (MANE Select); 18042 bases into the intron after coding-DNA position 8217, T replaced by C.
Molecular consequence: intron variant.
Genome position (GRCh38, 1-based): chrX:31,609,631, A>G on the plus strand (T>C on the coding strand, the complement: DMD is on the minus strand). VCF-style: chrX-31609631-A-G. GRCh37 (hg19) VCF-style: chrX-31627748-A-G.
Other names: c.8193+18042T>C (NM_000109.4); c.4194+18042T>C (NM_004011.4); c.4185+18042T>C (NM_004012.4); c.837+18042T>C (NM_004023.3, NM_004020.4, NM_004022.3 and 2 more transcripts); c.8205+18042T>C (NM_004009.3); c.7848+18042T>C (NM_004010.3).
Identifiers: ClinVar variation 3058256 (VCV003058256.2), dbSNP rs2528022295, ClinGen allele CA2740092082.